The following is an entry in ClinVar:

NM_001001563.5(TIMM50):c.300T>G (p.Asp100Glu)

Gene: TIMM50 (translocase of inner mitochondrial membrane 50; plus strand). Cytogenetic location: 19q13.2.
Variant type: single nucleotide variant.
Coding change: c.300T>G on transcript NM_001001563.5 (MANE Select); coding-DNA position 300, T replaced by G.
Protein change: p.Asp100Glu; replaces aspartic acid 100 with glutamic acid.
Molecular consequence: missense variant.
Genome position (GRCh38, 1-based): chr19:39,483,143, T>G. VCF-style: chr19-39483143-T-G. GRCh37 (hg19) VCF-style: chr19-39973783-T-G.
Other names: c.20T>G, p.Met7Arg (NM_001329559.2); short protein forms D100E, M7R.
Identifiers: ClinVar variation 2038273 (VCV002038273.4), dbSNP rs2514614992, ClinGen allele CA405786467.
Genomic context (GRCh38, chr19:39,483,143, plus strand): 5'-GGGGTTCTGCCTCTGACATCCTAAACCTTCCATTTTTCTCTCTACCTCCCAGATTCCTGA[T>G]GAGTTCGACAATGGTGAGTAAACAAGCACAGATTCTGGAGTCCCTGACCCTCTCAACTCT-3'
Protein context (NP_001001563.2, residues 90-110): PVDENGAKIP[Asp100Glu]EFDNDPILVQ

ClinVar aggregate classification (germline): Uncertain significance (1 of 4 stars; one submission).

Allele frequency attached by ClinVar (database versions not stated): gnomAD exomes below 0.00001.
gnomAD v4.1: 1 of 1,614,160 alleles (0.000062%); highest among the groups gnomAD compares: African/African-American, 0.0013%; no homozygotes.

Submission:

Labcorp Genetics (formerly Invitae), Labcorp
Classification: Uncertain significance. Last evaluated: 2021-12-08. Review status: criteria provided, single submitter. Criteria: Invitae Variant Classification Sherloc (09022015). Collection method: clinical testing. Allele origin: germline.
Comment: This sequence change replaces aspartic acid, which is acidic and polar, with glutamic acid, which is acidic and polar, at codon 203 of the TIMM50 protein (p.Asp203Glu). This variant is not present in population databases (gnomAD no frequency). This variant has not been reported in the literature in individuals affected with TIMM50-related conditions. Algorithms developed to predict the effect of missense changes on protein structure and function are either unavailable or do not agree on the potential impact of this missense change (SIFT: "Not Available"; PolyPhen-2: "Possibly Damaging"; Align-GVGD: "Not Available"). In summary, the available evidence is currently insufficient to determine the role of this variant in disease. Therefore, it has been classified as a Variant of Uncertain Significance.